The following is an entry in ClinVar:

NM_001283009.2(RTEL1):c.3044A>T (p.Gln1015Leu)

Genes: RTEL1 (regulator of telomere elongation helicase 1; plus strand), RTEL1-TNFRSF6B (RTEL1-TNFRSF6B readthrough (NMD candidate); plus strand). Cytogenetic location: 20q13.33.
Variant type: single nucleotide variant.
Coding change: c.3044A>T on transcript NM_001283009.2 (MANE Select); coding-DNA position 3044, A replaced by T.
Protein change: p.Gln1015Leu; replaces glutamine 1015 with leucine.
Molecular consequence: missense variant. On other transcripts: non-coding transcript variant (1).
Genome position (GRCh38, 1-based): chr20:63,694,423, A>T. VCF-style: chr20-63694423-A-T. GRCh37 (hg19) VCF-style: chr20-62325776-A-T.
Other names: c.2375A>T, p.Gln792Leu (NM_001283010.1); c.3044A>T, p.Gln1015Leu (NM_016434.4); c.3116A>T, p.Gln1039Leu (NM_032957.5); short protein forms Q1015L, Q792L, Q1039L.
Identifiers: ClinVar variation 4790944 (VCV004790944.1).

ClinVar aggregate classification (germline): Uncertain significance (1 of 4 stars; one submission).

Conditions:
Dyskeratosis congenita, autosomal recessive 5 (DKCB5). Identifiers: MedGen C3554656, MONDO:0014076, OMIM 615190.
Pulmonary fibrosis and/or bone marrow failure, Telomere-related, 3. Also called: PULMONARY FIBROSIS AND/OR BONE MARROW FAILURE SYNDROME, TELOMERE-RELATED, 3. Identifiers: Orphanet 2032, MedGen C4225346, MONDO:0014613, OMIM 616373.

gnomAD v4.1: 1 of 1,612,282 alleles (0.000062%); highest among the groups gnomAD compares: South Asian, 0.0011%; no homozygotes.

Submission:

Labcorp Genetics (formerly Invitae), Labcorp
Classification: Uncertain significance for Dyskeratosis congenita, autosomal recessive 5; Pulmonary fibrosis and/or bone marrow failure, Telomere-related, 3. Last evaluated: 2025-07-23. Review status: criteria provided, single submitter. Criteria: Invitae Variant Classification Sherloc (09022015). Collection method: clinical testing. Allele origin: germline.
Comment: This sequence change replaces glutamine, which is neutral and polar, with leucine, which is neutral and non-polar, at codon 1015 of the RTEL1 protein (p.Gln1015Leu). This variant is not present in population databases (gnomAD no frequency). This variant has not been reported in the literature in individuals affected with RTEL1-related conditions. An algorithm developed to predict the effect of missense changes on protein structure and function (PolyPhen-2) suggests that this variant is likely to be disruptive. In summary, the available evidence is currently insufficient to determine the role of this variant in disease. Therefore, it has been classified as a Variant of Uncertain Significance.